The following is an entry in ClinVar:

ClinVar aggregate classification (germline): Conflicting classifications of pathogenicity. Review status: criteria provided, conflicting classifications (1 of 4 stars). 3 submissions from 3 submitters: Uncertain significance (1); Likely benign (1). 1 of the submissions does not count toward it. Last evaluated 2025-09-29.

Conditions:
PLXNA2-related disorder. Also called: PLXNA2-related condition.

Allele frequency attached by ClinVar (database versions not stated): gnomAD 0.00080 and 0.00083; TOPMed 0.00088; ESP Exome Variant Server 0.00092; 1000 Genomes Project 30x 0.00094; 1000 Genomes Project 0.00100.
gnomAD v4.1: 310 of 1,614,038 alleles (0.019%); highest among the groups gnomAD compares: African/African-American, 0.26%; no homozygotes.

Submissions (3):

Labcorp Genetics (formerly Invitae), Labcorp
Classification: Likely benign. Last evaluated: 2025-09-29. Review status: criteria provided, single submitter. Criteria: Invitae Variant Classification Sherloc (09022015). Collection method: clinical testing. Allele origin: germline.

Ambry Genetics
Classification: Uncertain significance. Last evaluated: 2025-08-15. Review status: criteria provided, single submitter. Criteria: Ambry Variant Classification Scheme 2023. Collection method: clinical testing. Allele origin: germline.

PreventionGenetics, part of Exact Sciences
Classification: Likely benign for PLXNA2-related condition. Last evaluated: 2022-04-28. Review status: no assertion criteria provided. Collection method: clinical testing. Allele origin: germline. Not counted in ClinVar's aggregate classification.
Comment: This variant is classified as likely benign based on ACMG/AMP sequence variant interpretation guidelines (Richards et al. 2015 PMID: 25741868, with internal and published modifications).

NM_025179.4(PLXNA2):c.91C>T (p.Pro31Ser)

Gene: PLXNA2 (plexin A2; minus strand). Cytogenetic location: 1q32.2.
Variant type: single nucleotide variant.
Coding change: c.91C>T on transcript NM_025179.4 (MANE Select); coding-DNA position 91, C replaced by T.
Protein change: p.Pro31Ser; replaces proline 31 with serine.
Molecular consequence: missense variant.
Genome position (GRCh38, 1-based): chr1:208,217,832, G>A on the plus strand (C>T on the coding strand, the complement: PLXNA2 is on the minus strand). VCF-style: chr1-208217832-G-A. GRCh37 (hg19) VCF-style: chr1-208391177-G-A.
Other names: short protein forms P31S.
Identifiers: ClinVar variation 723967 (VCV000723967.12), dbSNP rs149664316, ClinGen allele CA1374134.